The following is an entry in ClinVar:

NM_002230.4(JUP):c.2112G>A (p.Met704Ile)

Gene: JUP (junction plakoglobin; minus strand). Cytogenetic location: 17q21.2.
Variant type: single nucleotide variant.
Coding change: c.2112G>A on transcript NM_002230.4 (MANE Select); coding-DNA position 2112, G replaced by A.
Protein change: p.Met704Ile; replaces methionine 704 with isoleucine.
Molecular consequence: missense variant.
Genome position (GRCh38, 1-based): chr17:41,755,870, C>T on the plus strand (G>A on the coding strand, the complement: JUP is on the minus strand). VCF-style: chr17-41755870-C-T. GRCh37 (hg19) VCF-style: chr17-39912122-C-T.
Other names: c.2112G>A, p.Met704Ile (NM_001352773.2, NM_001352774.2, NM_001352775.2 and 3 more transcripts); short protein forms M704I.
Identifiers: ClinVar variation 1490142 (VCV001490142.8), dbSNP rs1555597505, ClinGen allele CA399490729.

ClinVar aggregate classification (germline): Uncertain significance (1 of 4 stars; one submission).

Conditions:
Arrhythmogenic right ventricular dysplasia 12. Also called: ARRHYTHMOGENIC RIGHT VENTRICULAR DYSPLASIA, FAMILIAL, 12. Identifiers: MedGen C1969081, MONDO:0012684, OMIM 611528.
Naxos disease (NXD). Also called: PALMOPLANTAR KERATODERMA WITH ARRHYTHMOGENIC RIGHT VENTRICULAR CARDIOMYOPATHY AND WOOLLY HAIR; WOOLLY HAIR, PALMOPLANTAR KERATODERMA, AND CARDIAC ABNORMALITIES; CARDIOMYOPATHY, ARRHYTHMOGENIC RIGHT VENTRICULAR, WITH SKIN, HAIR, AND NAIL ABNORMALITIES; KERATOSIS PALMOPLANTARIS WITH ARRHYTHMOGENIC CARDIOMYOPATHY; MAL DE NAXOS. Identifiers: Orphanet 34217, MedGen C1832600, MONDO:0011017, OMIM 601214.

Allele frequency attached by ClinVar (database versions not stated): gnomAD exomes below 0.00001.
gnomAD v4.1: 2 of 1,611,334 alleles (0.00012%); highest among the groups gnomAD compares: South Asian, 0.0022%; no homozygotes.

Submission:

Labcorp Genetics (formerly Invitae), Labcorp
Classification: Uncertain significance for Arrhythmogenic right ventricular dysplasia 12; Naxos disease. Last evaluated: 2020-12-03. Review status: criteria provided, single submitter. Criteria: Invitae Variant Classification Sherloc (09022015). Collection method: clinical testing. Allele origin: germline.
Comment: In summary, the available evidence is currently insufficient to determine the role of this variant in disease. Therefore, it has been classified as a Variant of Uncertain Significance. Algorithms developed to predict the effect of missense changes on protein structure and function (SIFT, PolyPhen-2, Align-GVGD) all suggest that this variant is likely to be tolerated, but these predictions have not been confirmed by published functional studies and their clinical significance is uncertain. This variant has not been reported in the literature in individuals with JUP-related conditions. This variant is not present in population databases (ExAC no frequency). This sequence change replaces methionine with isoleucine at codon 704 of the JUP protein (p.Met704Ile). The methionine residue is moderately conserved and there is a small physicochemical difference between methionine and isoleucine.